The following is an entry in ClinVar:

NM_001048174.2(MUTYH):c.1075A>T (p.Ile359Phe)

Gene: MUTYH (mutY DNA glycosylase; minus strand). Cytogenetic location: 1p34.1.
Variant type: single nucleotide variant.
Coding change: c.1075A>T on transcript NM_001048174.2 (MANE Select); coding-DNA position 1075, A replaced by T.
Protein change: p.Ile359Phe; replaces isoleucine 359 with phenylalanine.
Molecular consequence: missense variant. On other transcripts: non-coding transcript variant (7).
Genome position (GRCh38, 1-based): chr1:45,331,688, T>A on the plus strand (A>T on the coding strand, the complement: MUTYH is on the minus strand). VCF-style: chr1-45331688-T-A. GRCh37 (hg19) VCF-style: chr1-45797360-T-A.
Other names: c.1075A>T, p.Ile359Phe (NM_001048171.2, NM_001048173.2, NM_001293195.2 and 6 more transcripts); c.1078A>T, p.Ile360Phe (NM_001048172.2, NM_001407071.1, NM_001407078.1 and 1 more transcripts); c.1159A>T, p.Ile387Phe (NM_001128425.2); c.1120A>T, p.Ile374Phe (NM_001293190.2); c.1108A>T, p.Ile370Phe (NM_001293191.2, NM_001407069.1, NM_001407077.1); c.799A>T, p.Ile267Phe (NM_001293192.2, NM_001293196.2, NM_001407091.1); c.730A>T, p.Ile244Phe (NM_001350650.2, NM_001350651.2, NM_001407082.1); c.991A>T, p.Ile331Phe (NM_001407075.1); and 5 more; short protein forms I244F, I360F, I384F, I366F, I370F, I387F, I373F, I267F.
Identifiers: ClinVar variation 4113066 (VCV004113066.1).

ClinVar aggregate classification (germline): Uncertain significance (1 of 4 stars; one submission).

Conditions:
Hereditary cancer-predisposing syndrome. Also called: Tumor predisposition; Neoplastic Syndromes, Hereditary; Hereditary neoplastic syndrome; Hereditary Cancer Syndrome. Identifiers: Orphanet 140162, MedGen C0027672, MeSH D009386, MONDO:0015356.

Submission:

Ambry Genetics
Classification: Uncertain significance for Hereditary cancer-predisposing syndrome. Last evaluated: 2025-08-27. Review status: criteria provided, single submitter. Criteria: Ambry Variant Classification Scheme 2023. Collection method: clinical testing. Allele origin: germline.
Comment: The p.I387F variant (also known as c.1159A>T), located in coding exon 12 of the MUTYH gene, results from an A to T substitution at nucleotide position 1159. The isoleucine at codon 387 is replaced by phenylalanine, an amino acid with highly similar properties. This amino acid position is conserved. In addition, this alteration is predicted to be tolerated by in silico analysis. Based on the available evidence, the clinical significance of this variant remains unclear.